The following is an entry in ClinVar:

NM_004700.4(KCNQ4):c.1525G>T (p.Glu509Ter)

Gene: KCNQ4 (potassium voltage-gated channel subfamily Q member 4; plus strand). Cytogenetic location: 1p34.2.
Variant type: single nucleotide variant.
Coding change: c.1525G>T on transcript NM_004700.4 (MANE Select); coding-DNA position 1525, G replaced by T.
Protein change: p.Glu509Ter; replaces glutamic acid 509 with a stop codon.
Molecular consequence: nonsense.
Genome position (GRCh38, 1-based): chr1:40,833,025, G>T. VCF-style: chr1-40833025-G-T. GRCh37 (hg19) VCF-style: chr1-41298697-G-T.
Other names: c.1363G>T, p.Glu455Ter (NM_172163.3); short protein forms E455*, E509*.
Identifiers: ClinVar variation 1703988 (VCV001703988.2), dbSNP rs2523937877, ClinGen allele CA339887501.
Genomic context (GRCh38, chr1:40,833,025, plus strand): 5'-TGGGAGTGGCCCCTTTGGTGGGCCACTTGCCCCATACCTGCCTTTTCAGATGCCCCCTCA[G>T]AGGAAGTAGCAGAGGAGAAGAGCTACCAGTGTGAGCTCACGGTGGACGACATCATGCCTG-3'

ClinVar aggregate classification (germline): Uncertain significance (1 of 4 stars; one submission).

Allele frequency attached by ClinVar (database versions not stated): gnomAD exomes below 0.00001.
gnomAD v4.1: 3 of 1,613,542 alleles (0.00019%); highest among the groups gnomAD compares: Non-Finnish European, 0.000085%; no homozygotes.

Submission:

GeneDx
Classification: Uncertain significance. Last evaluated: 2022-03-03. Review status: criteria provided, single submitter. Criteria: GeneDx Variant Classification Process June 2021. Collection method: clinical testing. Allele origin: germline. Affected: yes.
Comment: Paternally inherited variant reported with second a variant in the MAP2K2 gene in an individual with autism in published literature (Yuen et al., 2015); Nonsense variant predicted to result in protein truncation or nonsense mediated decay in a gene for which loss-of-function is not a known mechanism of disease; Not observed at significant frequency in large population cohorts (gnomAD); This variant is associated with the following publications: (PMID: 25621899)